The following is an entry in ClinVar:

NM_000059.4(BRCA2):c.5192_5193del (p.His1731fs)

Gene: BRCA2 (BRCA2 DNA repair associated; plus strand). Cytogenetic location: 13q13.1.
Variant type: Deletion.
Coding change: c.5192_5193del on transcript NM_000059.4 (MANE Select); coding-DNA positions 5192 to 5193, 2 bases deleted (AT; older notation c.5192_5193delAT).
Protein change: p.His1731fs; shifts the reading frame from histidine 1731.
Molecular consequence: frameshift variant.
Genome position (GRCh38, 1-based): chr13:32,339,547-32,339,548, AT deleted. VCF-style (leftmost placement, unchanged base first): chr13-32339546-CAT-C. GRCh37 (hg19) VCF-style: chr13-32913683-CAT-C.
Other names: c.5192_5193delAT (NM_000059.3); short protein forms H1731fs.
Identifiers: ClinVar variation 462370 (VCV000462370.7), dbSNP rs1555284096, ClinGen allele CA658656380.

ClinVar aggregate classification (germline): Pathogenic (1 of 4 stars; one submission).

Conditions:
Hereditary breast ovarian cancer syndrome. Also called: Hereditary breast and ovarian cancer syndrome (HBOC); Hereditary breast and ovarian cancer syndrome; Breast and ovarian cancer; Hereditary breast and/or ovarian cancer syndrome; Hereditary breast and ovarian cancer; BRCA1- and BRCA2-Associated Hereditary Breast and Ovarian Cancer. Identifiers: Orphanet 145, MedGen C0677776, MeSH D061325, MONDO:0003582. Disease mechanism: loss of function.

Submission:

Labcorp Genetics (formerly Invitae), Labcorp
Classification: Pathogenic for Hereditary breast ovarian cancer syndrome. Last evaluated: 2017-07-17. Review status: criteria provided, single submitter. Criteria: Invitae Variant Classification Sherloc (09022015). Collection method: clinical testing. Allele origin: germline.
Comment: For these reasons, this variant has been classified as Pathogenic. Loss-of-function variants in BRCA2 are known to be pathogenic (PMID: 20104584). This variant has not been reported in the literature in individuals with BRCA2-related disease. This variant is not present in population databases (ExAC no frequency). This sequence change creates a premature translational stop signal (p.His1731Profs*11) in the BRCA2 gene. It is expected to result in an absent or disrupted protein product.

Literature cited by the submitters: PubMed 20104584.